The following is an entry in ClinVar:

ClinVar aggregate classification (germline): Uncertain significance (1 of 4 stars; one submission).

Conditions:
Early Myoclonic Encephalopathy. Identifiers: MedGen C0270855.

gnomAD v4.1: 1 of 1,614,104 alleles (0.000062%); highest among the groups gnomAD compares: Non-Finnish European, 0.000085%; no homozygotes.

Submission:

Labcorp Genetics (formerly Invitae), Labcorp
Classification: Uncertain significance for Early Myoclonic Encephalopathy. Last evaluated: 2026-02-01. Review status: criteria provided, single submitter. Criteria: Invitae Variant Classification Sherloc (09022015). Collection method: clinical testing. Allele origin: germline.
Comment: This sequence change replaces asparagine, which is neutral and polar, with lysine, which is basic and polar, at codon 290 of the JMJD1C protein (p.Asn290Lys). This variant is not present in population databases (gnomAD no frequency). This variant has not been reported in the literature in individuals affected with JMJD1C-related conditions. ClinVar contains an entry for this variant (Variation ID: 2866364). An algorithm developed to predict the effect of missense changes on protein structure and function (PolyPhen-2) suggests that this variant is likely to be tolerated. In summary, the available evidence is currently insufficient to determine the role of this variant in disease. Therefore, it has been classified as a Variant of Uncertain Significance.

NM_032776.3(JMJD1C):c.870C>A (p.Asn290Lys)

Gene: JMJD1C (jumonji domain containing 1C; minus strand). Cytogenetic location: 10q21.3.
Variant type: single nucleotide variant.
Coding change: c.870C>A on transcript NM_032776.3 (MANE Select); coding-DNA position 870, C replaced by A.
Protein change: p.Asn290Lys; replaces asparagine 290 with lysine.
Molecular consequence: missense variant. On other transcripts: non-coding transcript variant (1).
Genome position (GRCh38, 1-based): chr10:63,215,408, G>T on the plus strand (C>A on the coding strand, the complement: JMJD1C is on the minus strand). VCF-style: chr10-63215408-G-T. GRCh37 (hg19) VCF-style: chr10-64975168-G-T.
Other names: c.324C>A, p.Asn108Lys (NM_001282948.2, NM_001318154.2); c.6C>A, p.Asn2Lys (NM_001318153.2); c.756C>A, p.Asn252Lys (NM_001322252.2); c.213C>A, p.Asn71Lys (NM_001322254.2, NM_001322258.2); short protein forms N252K, N2K, N71K, N108K, N290K.
Identifiers: ClinVar variation 2866364 (VCV002866364.3), dbSNP rs1215361487, ClinGen allele CA377051483.